The following is an entry in ClinVar:

NM_032578.4(MYPN):c.3838A>G (p.Ser1280Gly)

Gene: MYPN (myopalladin; plus strand). Cytogenetic location: 10q21.3.
Variant type: single nucleotide variant.
Coding change: c.3838A>G on transcript NM_032578.4 (MANE Select); coding-DNA position 3838, A replaced by G.
Protein change: p.Ser1280Gly; replaces serine 1280 with glycine.
Molecular consequence: missense variant. On other transcripts: non-coding transcript variant (2).
Genome position (GRCh38, 1-based): chr10:68,210,330, A>G. VCF-style: chr10-68210330-A-G. GRCh37 (hg19) VCF-style: chr10-69970087-A-G.
Other names: c.3838A>G, p.Ser1280Gly (NM_001256267.2); c.2956A>G, p.Ser986Gly (NM_001256268.2); short protein forms S1280G, S986G.
Identifiers: ClinVar variation 652429 (VCV000652429.9), dbSNP rs1589622883, ClinGen allele CA376829961.

ClinVar aggregate classification (germline): Uncertain significance. Review status: criteria provided, multiple submitters, no conflicts (2 of 4 stars). 2 submissions from 2 submitters: Uncertain significance (2). Last evaluated 2024-04-01.

Conditions:
Dilated cardiomyopathy 1KK (CMD1KK). Identifiers: Orphanet 154, Orphanet 75249, MedGen C3714995, MONDO:0014100, OMIM 615248.

Allele frequency attached by ClinVar (database versions not stated): TOPMed below 0.00001.

Submissions (2):

GeneDx
Classification: Uncertain significance. Last evaluated: 2024-04-01. Review status: criteria provided, single submitter. Criteria: GeneDx Variant Classification Process June 2021. Collection method: clinical testing. Allele origin: germline. Affected: yes.
Comment: Not observed at significant frequency in large population cohorts (gnomAD); In silico analysis supports that this missense variant does not alter protein structure/function; Has not been previously published as pathogenic or benign to our knowledge

Labcorp Genetics (formerly Invitae), Labcorp
Classification: Uncertain significance for Dilated cardiomyopathy 1KK. Last evaluated: 2018-12-11. Review status: criteria provided, single submitter. Criteria: Invitae Variant Classification Sherloc (09022015). Collection method: clinical testing. Allele origin: germline.
Comment: In summary, the available evidence is currently insufficient to determine the role of this variant in disease. Therefore, it has been classified as a Variant of Uncertain Significance. Algorithms developed to predict the effect of missense changes on protein structure and function output the following: SIFT: "Tolerated"; PolyPhen-2: "Benign"; Align-GVGD: "Class C0". The glycine amino acid residue is found in multiple mammalian species, suggesting that this missense change does not adversely affect protein function. These predictions have not been confirmed by published functional studies and their clinical significance is uncertain. This variant has not been reported in the literature in individuals with MYPN-related conditions. This variant is not present in population databases (ExAC no frequency). This sequence change replaces serine with glycine at codon 1280 of the MYPN protein (p.Ser1280Gly). The serine residue is weakly conserved and there is a small physicochemical difference between serine and glycine.